The following is an entry in ClinVar:

Single allele

Gene: AGO1 (argonaute RISC component 1; plus strand). Cytogenetic location: 1p34.3.
Variant type: Deletion.
Identifiers: ClinVar variation 156733 (VCV000156733.2).

ClinVar aggregate classification (germline): not provided (0 of 4 stars; one submission).

Conditions:
Gestational diabetes mellitus uncontrolled. Identifiers: MedGen C3532257.

Submission:

Institute of Molecular and Cell Biology, University of Tartu
No classification provided. Condition: Gestational diabetes mellitus uncontrolled. Review status: no classification provided. Collection method: case-control. Allele origin: unknown. Affected: yes. Study: Kasak2014.
Comment: The study aimed to determine the contribution of copy number variants in the genetic etiology of normal and complicated pregnancies. The samples represented (i) maternal blood DNA drawn from healthy pregnant women during 1st or 2nd trimester and (ii) maternal and paternal blood DNA drawn at term pregnancy cases representing normal and complicated gestations (severe preeclampsia, PE; gestational diabetes, GD; small-for-gestational age newborn, SGA; large-for-gestational age newborn, LGA). We performed CNV calling based on genome-wide genotyping dataset (Illumina HumanOmniExpress-24-v1 BeadChip) by applying three algorithms, QuantiSNP, GADA (Genome Alteration Detection Algorithm) and CNstream in parallel. The acquired CNV calls were merged with HD-CNV (Hotspot Detector for Copy Number Variants) program and only the CNVs predicted by at least two programs, were considered in subsequent analysis.

Literature cited by the submitters: PubMed 25666259.